The following is an entry in ClinVar:

NM_007103.4(NDUFV1):c.422_425del (p.Gly141fs)

Gene: NDUFV1 (NADH:ubiquinone oxidoreductase core subunit V1; plus strand). Cytogenetic location: 11q13.2.
Variant type: Deletion.
Coding change: c.422_425del on transcript NM_007103.4 (MANE Select); coding-DNA positions 422 to 425, 4 bases deleted (GCTG; older notation c.422_425delGCTG).
Protein change: p.Gly141fs; shifts the reading frame from glycine 141.
Molecular consequence: frameshift variant.
Genome position (GRCh38, 1-based): chr11:67,609,547-67,609,550, GCTG deleted; deleting any 4 consecutive bases within chr11:67,609,546-67,609,550 gives the same sequence; the c. name uses the placement nearest the transcript's 3' end. VCF-style (leftmost placement, unchanged base first): chr11-67609545-AGGCT-A. GRCh37 (hg19) VCF-style: chr11-67377016-AGGCT-A.
Other names: c.395_398del, p.Gly132fs (NM_001166102.2); short protein forms G141fs, G132fs.
Identifiers: ClinVar variation 2732786 (VCV002732786.3), dbSNP rs2495718275, ClinGen allele CA2697548700.

ClinVar aggregate classification (germline): Pathogenic (1 of 4 stars; one submission).

Submission:

Labcorp Genetics (formerly Invitae), Labcorp
Classification: Pathogenic. Last evaluated: 2023-06-29. Review status: criteria provided, single submitter. Criteria: Invitae Variant Classification Sherloc (09022015). Collection method: clinical testing. Allele origin: germline.
Comment: This sequence change creates a premature translational stop signal (p.Gly141Alafs*40) in the NDUFV1 gene. It is expected to result in an absent or disrupted protein product. Loss-of-function variants in NDUFV1 are known to be pathogenic (PMID: 10080174, 11349233). This variant is not present in population databases (gnomAD no frequency). This variant has not been reported in the literature in individuals affected with NDUFV1-related conditions. For these reasons, this variant has been classified as Pathogenic.

Literature cited by the submitters: PubMed 10080174; PubMed 11349233.